The following is an entry in ClinVar:

ClinVar aggregate classification (germline): Uncertain significance (1 of 4 stars; one submission).

Conditions:
Arrhythmogenic right ventricular dysplasia 9 (ARVD9). Also called: Arrhythmogenic Right Ventricular Dysplasia/Cardiomyopathy 9; ARRHYTHMOGENIC RIGHT VENTRICULAR DYSPLASIA, FAMILIAL, 9. Identifiers: MedGen C1836906, MONDO:0012180, OMIM 609040.

Submission:

Labcorp Genetics (formerly Invitae), Labcorp
Classification: Uncertain significance for Arrhythmogenic right ventricular dysplasia 9. Last evaluated: 2024-06-29. Review status: criteria provided, single submitter. Criteria: Invitae Variant Classification Sherloc (09022015). Collection method: clinical testing. Allele origin: germline.
Comment: This sequence change replaces isoleucine, which is neutral and non-polar, with leucine, which is neutral and non-polar, at codon 458 of the PKP2 protein (p.Ile458Leu). This variant is not present in population databases (gnomAD no frequency). This variant has not been reported in the literature in individuals affected with PKP2-related conditions. An algorithm developed to predict the effect of missense changes on protein structure and function (PolyPhen-2) suggests that this variant is likely to be disruptive. In summary, the available evidence is currently insufficient to determine the role of this variant in disease. Therefore, it has been classified as a Variant of Uncertain Significance.

NM_001005242.3(PKP2):c.1372A>T (p.Ile458Leu)

Gene: PKP2 (plakophilin 2; minus strand). Cytogenetic location: 12p11.21.
Variant type: single nucleotide variant.
Coding change: c.1372A>T on transcript NM_001005242.3 (MANE Select); coding-DNA position 1372, A replaced by T.
Protein change: p.Ile458Leu; replaces isoleucine 458 with leucine.
Molecular consequence: missense variant.
Genome position (GRCh38, 1-based): chr12:32,850,772, T>A on the plus strand (A>T on the coding strand, the complement: PKP2 is on the minus strand). VCF-style: chr12-32850772-T-A. GRCh37 (hg19) VCF-style: chr12-33003706-T-A.
Other names: c.1372A>T, p.Ile458Leu (NM_001407155.1, NM_001407156.1, NM_001407157.1 and 2 more transcripts); c.1045A>T, p.Ile349Leu (NM_001407158.1, NM_001407159.1, NM_001407160.1 and 1 more transcripts); short protein forms I349L, I458L.
Identifiers: ClinVar variation 3658202 (VCV003658202.2).